The following is an entry in ClinVar:

NM_001197104.2(KMT2A):c.2632C>T (p.Arg878Trp)

Gene: KMT2A (lysine methyltransferase 2A; plus strand). Cytogenetic location: 11q23.3.
Variant type: single nucleotide variant.
Coding change: c.2632C>T on transcript NM_001197104.2 (MANE Select); coding-DNA position 2632, C replaced by T.
Protein change: p.Arg878Trp; replaces arginine 878 with tryptophan.
Molecular consequence: missense variant.
Genome position (GRCh38, 1-based): chr11:118,473,791, C>T. VCF-style: chr11-118473791-C-T. GRCh37 (hg19) VCF-style: chr11-118344506-C-T.
Other names: c.2731C>T, p.Arg911Trp (NM_001412597.1); c.2632C>T, p.Arg878Trp (NM_005933.4); short protein forms R878W, R911W.
Identifiers: ClinVar variation 3381765 (VCV003381765.2).

ClinVar aggregate classification (germline): Likely pathogenic (1 of 4 stars; one submission).

Conditions:
Wiedemann-Steiner syndrome (WDSTS). Also called: Growth deficiency and mental retardation with facial dysmorphism. Identifiers: Orphanet 319182, MedGen C1854630, MONDO:0011518, OMIM 605130.

gnomAD v4.1: 1 of 1,613,232 alleles (0.000062%); highest among the groups gnomAD compares: Non-Finnish European, 0.000085%; no homozygotes.

Submission:

Molecular Genetics Laboratory, Motol Hospital
Classification: Likely pathogenic for Wiedemann-Steiner syndrome. Last evaluated: 2024-11-27. Review status: criteria provided, single submitter. Criteria: ACMG Guidelines, 2015. Collection method: clinical testing. Allele origin: de novo. Affected: yes. Observed: 1 variant allele.
Comment: The variant was confirmed to be of a de novo origin. Rare variants affecting the KMT2A gene are documented as a molecular cause of "Wiedemann-Steiner syndrome" (WDSTS, OMIM:605130) (PMID:25810209;22795537;31044088). The missense variants are not a common molecular cause of WDSTS. To conclude, the variant is classified as likely pathogenic (ACMG PP2, PM2, PS2).

Literature cited by the submitters: PubMed 25810209; PubMed 22795537; PubMed 31044088.